The following is an entry in ClinVar:

ClinVar aggregate classification (germline): Uncertain significance. Review status: criteria provided, multiple submitters, no conflicts (2 of 4 stars). 2 submissions from 2 submitters: Uncertain significance (2). Last evaluated 2022-02-02.

Conditions:
Inborn genetic diseases. Identifiers: MedGen C0950123, MeSH D030342.

Submissions (2):

Ambry Genetics
Classification: Uncertain significance for Inborn genetic diseases. Last evaluated: 2022-02-02. Review status: criteria provided, single submitter. Criteria: Ambry Variant Classification Scheme 2023. Collection method: clinical testing. Allele origin: germline.
Comment: The p.A149S variant (also known as c.445G>T), located in coding exon 2 of the INF2 gene, results from a G to T substitution at nucleotide position 445. The alanine at codon 149 is replaced by serine, an amino acid with similar properties. This amino acid position is well conserved in available vertebrate species. In addition, the in silico prediction for this alteration is inconclusive. Since supporting evidence is limited at this time, the clinical significance of this alteration remains unclear.

Blueprint Genetics
Classification: Uncertain significance. Last evaluated: 2020-02-06. Review status: criteria provided, single submitter. Criteria: ACMG Guidelines, 2015. Collection method: clinical testing. Allele origin: germline.

NM_022489.4(INF2):c.445G>T (p.Ala149Ser)

Gene: INF2 (inverted formin 2; plus strand). Cytogenetic location: 14q32.33.
Variant type: single nucleotide variant.
Coding change: c.445G>T on transcript NM_022489.4 (MANE Select); coding-DNA position 445, G replaced by T.
Protein change: p.Ala149Ser; replaces alanine 149 with serine.
Molecular consequence: missense variant.
Genome position (GRCh38, 1-based): chr14:104,703,158, G>T. VCF-style: chr14-104703158-G-T. GRCh37 (hg19) VCF-style: chr14-105169495-G-T.
Other names: c.445G>T, p.Ala149Ser (NM_001031714.4, NM_032714.3); short protein forms A149S.
Identifiers: ClinVar variation 1740772 (VCV001740772.3), dbSNP rs2504241604, ClinGen allele CA391212840.